The following is an entry in ClinVar:

NM_006231.4(POLE):c.6322G>C (p.Val2108Leu)

Gene: POLE (DNA polymerase epsilon, catalytic subunit; minus strand). Cytogenetic location: 12q24.33.
Variant type: single nucleotide variant.
Coding change: c.6322G>C on transcript NM_006231.4 (MANE Select); coding-DNA position 6322, G replaced by C.
Protein change: p.Val2108Leu; replaces valine 2108 with leucine.
Molecular consequence: missense variant.
Genome position (GRCh38, 1-based): chr12:132,632,323, C>G on the plus strand (G>C on the coding strand, the complement: POLE is on the minus strand). VCF-style: chr12-132632323-C-G. GRCh37 (hg19) VCF-style: chr12-133208909-C-G.
Other names: short protein forms V2108L.
Identifiers: ClinVar variation 5027070 (VCV005027070.1).

ClinVar aggregate classification (germline): Uncertain significance (1 of 4 stars; one submission).

Conditions:
Hereditary cancer-predisposing syndrome. Also called: Neoplastic Syndromes, Hereditary; Tumor predisposition; Hereditary neoplastic syndrome; Hereditary Cancer Syndrome. Identifiers: Orphanet 140162, MedGen C0027672, MeSH D009386, MONDO:0015356.

Submission:

Ambry Genetics
Classification: Uncertain significance for Hereditary cancer-predisposing syndrome. Last evaluated: 2026-07-11. Review status: criteria provided, single submitter. Criteria: Ambry Variant Classification Scheme 2023. Collection method: clinical testing. Allele origin: germline.
Comment: The p.V2108L variant (also known as c.6322G>C), located in coding exon 45 of the POLE gene, results from a G to C substitution at nucleotide position 6322. The valine at codon 2108 is replaced by leucine, an amino acid with highly similar properties. This amino acid position is conserved. In addition, this alteration is predicted to be tolerated by in silico analysis. Based on the available evidence, the clinical significance of this variant remains unclear.